The following is an entry in ClinVar:

NM_003972.3(BTAF1):c.3770A>G (p.Lys1257Arg)

Gene: BTAF1 (B-TFIID TATA-box binding protein associated factor 1; plus strand). Cytogenetic location: 10q23.32.
Variant type: single nucleotide variant.
Coding change: c.3770A>G on transcript NM_003972.3 (MANE Select); coding-DNA position 3770, A replaced by G.
Protein change: p.Lys1257Arg; replaces lysine 1257 with arginine.
Molecular consequence: missense variant. On other transcripts: non-coding transcript variant (12).
Genome position (GRCh38, 1-based): chr10:92,008,232, A>G. VCF-style: chr10-92008232-A-G. GRCh37 (hg19) VCF-style: chr10-93767989-A-G.
Other names: short protein forms K1257R.
Identifiers: ClinVar variation 3032136 (VCV003032136.2), dbSNP rs2540105153, ClinGen allele CA377567931.

ClinVar aggregate classification (germline): Uncertain significance (0 of 4 stars; one submission).

Conditions:
BTAF1-related disorder. Also called: BTAF1-related condition.

Submission:

PreventionGenetics, part of Exact Sciences
Classification: Uncertain significance for BTAF1-related condition. Last evaluated: 2024-01-18. Review status: no assertion criteria provided. Collection method: clinical testing. Allele origin: germline.
Comment: The BTAF1 c.3770A>G variant is predicted to result in the amino acid substitution p.Lys1257Arg. To our knowledge, this variant has not been reported in the literature or in a large population database, indicating this variant is rare. At this time, the clinical significance of this variant is uncertain due to the absence of conclusive functional and genetic evidence.